The following is an entry in ClinVar:

NM_000138.5(FBN1):c.639C>T (p.Val213=)

Gene: FBN1 (fibrillin 1; minus strand). Cytogenetic location: 15q21.1.
Variant type: single nucleotide variant.
Coding change: c.639C>T on transcript NM_000138.5 (MANE Select); coding-DNA position 639, C replaced by T.
Protein change: p.Val213=; no amino-acid change (valine 213 retained).
Molecular consequence: synonymous variant.
Genome position (GRCh38, 1-based): chr15:48,537,708, G>A on the plus strand (C>T on the coding strand, the complement: FBN1 is on the minus strand). VCF-style: chr15-48537708-G-A. GRCh37 (hg19) VCF-style: chr15-48829905-G-A.
Identifiers: ClinVar variation 922245 (VCV000922245.29), dbSNP rs543984363, ClinGen allele CA270013553.

ClinVar aggregate classification (germline): Likely benign. Review status: criteria provided, multiple submitters, no conflicts (2 of 4 stars). 6 submissions from 6 submitters: Likely benign (6). Last evaluated 2025-03-30.

Conditions:
Familial thoracic aortic aneurysm and aortic dissection (TAAD). Also called: Thoracic aortic aneurysms and dissections. Identifiers: Orphanet 91387, MedGen C4707243, MONDO:0019625.
Marfan syndrome (MFS). Also called: Marfan syndrome type 1; Marfan's syndrome; FBN1-Related Marfan Syndrome; MARFAN SYNDROME, TYPE I; Marfan syndrome, classic. Identifiers: Orphanet 284963, Orphanet 558, MedGen C0024796, MONDO:0007947, OMIM 154700.
Ectopia lentis 1, isolated, autosomal dominant (ECTOL1). Identifiers: Orphanet 1885, MedGen C3541518, MONDO:0007514, OMIM 129600.
Stiff skin syndrome (SSKS). Identifiers: Orphanet 2833, MedGen C1861456, MONDO:0008492, OMIM 184900.
MASS syndrome (OCTD). Also called: MASS PHENOTYPE; OVERLAP CONNECTIVE TISSUE DISEASE. Identifiers: MedGen C1858556, MONDO:0011431, OMIM 604308.
Acromicric dysplasia (ACMICD). Also called: Acromicric skeletal dysplasia. Identifiers: Orphanet 969, MedGen C0265287, MONDO:0007055, OMIM 102370.
Weill-Marchesani syndrome 2, dominant. Also called: Weill-Marchesani Syndrome, Autosomal Dominant; FBN1-Related Weill-Marchesani Syndrome. Identifiers: Orphanet 2084, MedGen C1869115, MONDO:0012013, OMIM 608328.
Geleophysic dysplasia 2 (GPHYSD2). Identifiers: Orphanet 2623, MedGen C3280054, MONDO:0013612, OMIM 614185.
Progeroid and marfanoid aspect-lipodystrophy syndrome. Also called: MARFANOID-PROGEROID SYNDROME; MARFAN-PROGEROID-LIPODYSTROPHY SYNDROME; Marfan lipodystrophy syndrome; MARFANOID-PROGEROID-LIPODYSTROPHY SYNDROME. Identifiers: Orphanet 300382, MedGen C4310796, MONDO:0014831, OMIM 616914.

Allele frequency attached by ClinVar (database versions not stated): gnomAD exomes below 0.00001 and 0.00001; gnomAD 0.00001 and 0.00002; TOPMed 0.00002; 1000 Genomes Project 30x 0.00016; 1000 Genomes Project 0.00020.
gnomAD v4.1: 21 of 1,614,242 alleles (0.0013%); highest among the groups gnomAD compares: Non-Finnish European, 0.0015%; no homozygotes.

Submissions (6):

Labcorp Genetics (formerly Invitae), Labcorp
Classification: Likely benign for Marfan syndrome; Familial thoracic aortic aneurysm and aortic dissection. Last evaluated: 2025-03-30. Review status: criteria provided, single submitter. Criteria: Invitae Variant Classification Sherloc (09022015). Collection method: clinical testing. Allele origin: germline.

CeGaT Center for Human Genetics Tuebingen
Classification: Likely benign. Last evaluated: 2024-07-01. Review status: criteria provided, single submitter. Criteria: CeGaT Center For Human Genetics Tuebingen Variant Classification Criteria Version 2. Collection method: clinical testing. Allele origin: germline. Affected: yes. Observed: 1 variant allele.
Comment: FBN1: BP4, BP7

All of Us Research Program, National Institutes of Health
Classification: Likely benign for Marfan syndrome. Last evaluated: 2024-02-05. Review status: criteria provided, single submitter. Criteria: ACMG Guidelines, 2015. Collection method: clinical testing. Allele origin: germline. Inheritance: Autosomal dominant inheritance. Observed: 3 variant alleles, 3 heterozygotes.
Comment: This study involves interpretation of variants in research participants for the purpose of population health screening. Participant phenotype was not available at the time of variant classification. Additional details can be found in publication PMID: 35346344, PMCID: PMC8962531

Ambry Genetics
Classification: Likely benign for Familial thoracic aortic aneurysm and aortic dissection. Last evaluated: 2023-01-16. Review status: criteria provided, single submitter. Criteria: Ambry Variant Classification Scheme 2023. Collection method: clinical testing. Allele origin: germline.

Fulgent Genetics
Classification: Likely benign for Acromicric dysplasia; Ectopia lentis 1, isolated, autosomal dominant; Marfan syndrome; Stiff skin syndrome; MASS syndrome; Weill-Marchesani syndrome 2, dominant; Geleophysic dysplasia 2; Progeroid and marfanoid aspect-lipodystrophy syndrome. Last evaluated: 2022-02-11. Review status: criteria provided, single submitter. Criteria: ACMG Guidelines, 2015. Collection method: clinical testing. Allele origin: unknown.

Color Diagnostics, LLC DBA Color Health
Classification: Likely benign for Familial thoracic aortic aneurysm and aortic dissection. Last evaluated: 2019-10-01. Review status: criteria provided, single submitter. Criteria: ACMG Guidelines, 2015. Collection method: clinical testing. Allele origin: germline.